The following is an entry in ClinVar:

NM_000077.5(CDKN2A):c.458-39T>C

Gene: CDKN2A (cyclin dependent kinase inhibitor 2A; minus strand). Cytogenetic location: 9p21.3.
Variant type: single nucleotide variant.
Coding change: c.458-39T>C on transcript NM_000077.5 (MANE Select); 39 bases into the intron before coding-DNA position 458, T replaced by C.
Molecular consequence: intron variant.
Genome position (GRCh38, 1-based): chr9:21,968,281, A>G on the plus strand (T>C on the coding strand, the complement: CDKN2A is on the minus strand). VCF-style: chr9-21968281-A-G. GRCh37 (hg19) VCF-style: chr9-21968280-A-G.
Other names: c.305-39T>C (NM_001363763.2); c.*102-39T>C (NM_058195.4); c.*151-39T>C (NM_001195132.2); c.*381-39T>C (NM_058197.5).
Identifiers: ClinVar variation 4294141 (VCV004294141.1).

ClinVar aggregate classification (germline): Benign (1 of 4 stars; one submission).

Conditions:
Melanoma-pancreatic cancer syndrome. Identifiers: Orphanet 404560, MedGen C1838547, MONDO:0011713, OMIM 606719. Disease mechanism: loss of function.

Submission:

Myriad Genetics, Inc.
Classification: Benign for Melanoma-pancreatic cancer syndrome. Last evaluated: 2025-08-18. Review status: criteria provided, single submitter. Criteria: Myriad Autosomal Dominant, Autosomal Recessive and X-Linked Classification Criteria (2023). Collection method: clinical testing. Allele origin: unknown.
Comment: This variant is considered benign. This variant is intronic and is not expected to impact mRNA splicing.